The following is an entry in ClinVar:

ClinVar aggregate classification (germline): Uncertain significance (1 of 4 stars; one submission).

Conditions:
Hereditary pheochromocytoma and paraganglioma. Also called: Hereditary paragangliomas and pheochromocytomas; Hereditary Paraganglioma-Pheochromocytoma Syndromes; Hereditary pheochromocytoma-paraganglioma. Identifiers: Orphanet 29072, MedGen C4274332, MONDO:0017366.

Submission:

Labcorp Genetics (formerly Invitae), Labcorp
Classification: Uncertain significance for Hereditary pheochromocytoma and paraganglioma. Last evaluated: 2024-01-28. Review status: criteria provided, single submitter. Criteria: Invitae Variant Classification Sherloc (09022015). Collection method: clinical testing. Allele origin: unknown.
Comment: A copy number gain of the genomic region encompassing the full coding sequence of the TMEM127 gene has been identified. The boundaries of this event are unknown as they extend beyond the assayed region for this gene and therefore may encompass additional genes. As the precise location of this event is unknown, it may be in tandem or it may be located elsewhere in the genome. This variant has not been reported in the literature in individuals affected with TMEM127-related conditions. In summary, the available evidence is currently insufficient to determine the role of this variant in disease. Therefore, it has been classified as a Variant of Uncertain Significance.

NC_000002.11:g.(?_96919546)_(96931119_?)dup

Gene: TMEM127 (transmembrane protein 127; minus strand). Cytogenetic location: 2q11.2.
Variant type: Duplication.
Identifiers: ClinVar variation 3247225 (VCV003247225.1).